The following is an entry in ClinVar:

NM_001079872.2(CUL4B):c.1787G>T (p.Arg596Leu)

Gene: CUL4B (cullin 4B; minus strand). Cytogenetic location: Xq24.
Variant type: single nucleotide variant.
Coding change: c.1787G>T on transcript NM_001079872.2 (MANE Select); coding-DNA position 1787, G replaced by T.
Protein change: p.Arg596Leu; replaces arginine 596 with leucine.
Molecular consequence: missense variant.
Genome position (GRCh38, 1-based): chrX:120,538,725, C>A on the plus strand (G>T on the coding strand, the complement: CUL4B is on the minus strand). VCF-style: chrX-120538725-C-A. GRCh37 (hg19) VCF-style: chrX-119672580-C-A.
Other names: c.1802G>T, p.Arg601Leu (NM_001330624.2); c.1253G>T, p.Arg418Leu (NM_001369145.1); c.1841G>T, p.Arg614Leu (NM_003588.4); short protein forms R614L, R418L, R596L, R601L.
Identifiers: ClinVar variation 420933 (VCV000420933.2), dbSNP rs1064794800, ClinGen allele CA16621194.
Genomic context (GRCh38, chrX:120,538,725, plus strand): 5'-TTAAGTTTGGACAGCATTGATTTTTCAGCATCTACAGATGCACTCTTTCCGACTAACAGG[C>A]GCTTGGCTAAATCTTTCTTATAGAAGGCCTCAAAAACATCCTTGCCTATGTAAAAAGAAA-3'
Protein context (NP_001073341.1, residues 586-606): EAFYKKDLAK[Arg596Leu]LLVGKSASVD

ClinVar aggregate classification (germline): Likely pathogenic (1 of 4 stars; one submission).

Submission:

GeneDx
Classification: Likely pathogenic. Last evaluated: 2016-04-11. Review status: criteria provided, single submitter. Criteria: GeneDx Variant Classification (06012015). Collection method: clinical testing. Allele origin: germline. Affected: yes.
Comment: The R614L variant in the CUL4B gene has not been reported previously as a pathogenic variant, nor as a benign variant, to our knowledge. The R614L variant was not observed in approximately 6500 individuals of European and African American ancestry in the NHLBI Exome Sequencing Project, indicating it is not a common benign variant in these populations. The R614L variant is a non-conservative amino acid substitution, which is likely to impact secondary protein structure as these residues differ in polarity, charge, size and/or other properties. This substitution occurs at a position that is conserved across species. In silico analysis predicts this variant is probably damaging to the protein structure/function. The R614L variant is a strong candidate for a pathogenic variant.